The following is an entry in ClinVar:

NM_000355.4(TCN2):c.882del (p.Val295fs)

Gene: TCN2 (transcobalamin 2; plus strand). Cytogenetic location: 22q12.2.
Variant type: Deletion.
Coding change: c.882del on transcript NM_000355.4 (MANE Select); coding-DNA position 882, one base deleted (C; older notation c.882delC).
Protein change: p.Val295fs; shifts the reading frame from valine 295.
Molecular consequence: frameshift variant.
Genome position (GRCh38, 1-based): chr22:30,615,729, C deleted; the last of 3 consecutive C bases (chr22:30,615,727-30,615,729); deleting any one gives the same sequence. VCF-style (leftmost placement, unchanged base first): chr22-30615726-GC-G. GRCh37 (hg19) VCF-style: chr22-31011713-GC-G.
Other names: c.801del, p.Val268fs (NM_001184726.2); short protein forms V268fs, V295fs.
Identifiers: ClinVar variation 1395597 (VCV001395597.6), dbSNP rs2145545140, ClinGen allele CA2573157910.

ClinVar aggregate classification (germline): Pathogenic (1 of 4 stars; one submission).

Conditions:
Transcobalamin II deficiency (TCN2D). Also called: Transcolabamin II deficiency; TC II DEFICIENCY; TCN2 DEFICIENCY. Identifiers: Orphanet 859, MedGen C0342701, MONDO:0010149, OMIM 275350.

Submission:

Labcorp Genetics (formerly Invitae), Labcorp
Classification: Pathogenic for Transcobalamin II deficiency. Last evaluated: 2022-06-04. Review status: criteria provided, single submitter. Criteria: Invitae Variant Classification Sherloc (09022015). Collection method: clinical testing. Allele origin: germline.
Comment: ClinVar contains an entry for this variant (Variation ID: 1395597). For these reasons, this variant has been classified as Pathogenic. This variant has not been reported in the literature in individuals affected with TCN2-related conditions. This variant is not present in population databases (gnomAD no frequency). This sequence change creates a premature translational stop signal (p.Val295Phefs*2) in the TCN2 gene. It is expected to result in an absent or disrupted protein product. Loss-of-function variants in TCN2 are known to be pathogenic (PMID: 7980584, 20352340).

Literature cited by the submitters: PubMed 7980584; PubMed 20352340.